The following is an entry in ClinVar:

NM_001286577.2(C2CD3):c.1088+2T>C

Gene: C2CD3 (C2 domain containing 3 centriole elongation regulator; minus strand). Cytogenetic location: 11q13.4.
Variant type: single nucleotide variant.
Coding change: c.1088+2T>C on transcript NM_001286577.2 (MANE Select); the canonical splice donor site of the intron after coding-DNA position 1088, T replaced by C.
Molecular consequence: splice donor variant.
Genome position (GRCh38, 1-based): chr11:74,133,423, A>G on the plus strand (T>C on the coding strand, the complement: C2CD3 is on the minus strand). VCF-style: chr11-74133423-A-G. GRCh37 (hg19) VCF-style: chr11-73844468-A-G.
Other names: c.1088+2T>C (NM_015531.6).
Identifiers: ClinVar variation 4687824 (VCV004687824.1).

ClinVar aggregate classification (germline): Likely pathogenic (1 of 4 stars; one submission).

Conditions:
Orofaciodigital syndrome type 14. Also called: Orofaciodigital syndrome xiv. Identifiers: Orphanet 434179, MedGen C4706604, MONDO:0014413, OMIM 615948.

Submission:

Women's Health and Genetics/Laboratory Corporation of America, LabCorp
Classification: Likely pathogenic for Orofaciodigital syndrome type 14. Last evaluated: 2025-10-23. Review status: criteria provided, single submitter. Criteria: LabCorp Variant Classification Summary - May 2015. Collection method: clinical testing. Allele origin: germline.
Comment: Variant summary: C2CD3 c.1088+2T>C is located in a canonical splice-site and is predicted to affect mRNA splicing resulting in a significantly altered protein due to either exon skipping, shortening, or inclusion of intronic material. Variants that disrupt the consensus splice site are a relatively common cause of aberrant splicing and loss of C2CD3 function. Several computational tools predict a significant impact on normal splicing: One predict the variant no significant impact on splicing. Two predict the variant abolishes a 5' splicing donor site. However, these predictions have yet to be confirmed by functional studies. The variant was absent in 251168 control chromosomes. To our knowledge, no occurrence of c.1088+2T>C in individuals affected with C2CD3-related conditions and no experimental evidence demonstrating its impact on protein function have been reported. No submitters have cited clinical-significance assessments for this variant to ClinVar. Based on the evidence outlined above, the variant was classified as likely pathogenic.